The following is an entry in ClinVar:

ClinVar aggregate classification (germline): Uncertain significance. Review status: criteria provided, multiple submitters, no conflicts (2 of 4 stars). 2 submissions from 2 submitters: Uncertain significance (2). Last evaluated 2023-10-06.

Conditions:
Familial hypercholesterolemia. Also called: Familial hypercholesterolemias; Familial hypercholesterolaemia. Identifiers: MedGen C0020445, MONDO:0005439.
Hypercholesterolemia, autosomal dominant, 3 (FHCL3). Also called: Familial Hypercholesterolemia, Autosomal Dominant, 3; PCSK9-Related Familial Hypercholesterolemia, Autosomal Dominant; Familial hypercholesterolemia 3. Identifiers: MedGen C1863551, MONDO:0011369, OMIM 603776.

Allele frequency attached by ClinVar (database versions not stated): TOPMed below 0.00001; gnomAD exomes 0.00001; gnomAD 0.00002.
gnomAD v4.1: 20 of 1,606,596 alleles (0.0012%); highest among the groups gnomAD compares: African/African-American, 0.02%; no homozygotes.

Submissions (2):

All of Us Research Program, National Institutes of Health
Classification: Uncertain significance for Hypercholesterolemia, autosomal dominant, 3. Last evaluated: 2023-10-06. Review status: criteria provided, single submitter. Criteria: ACMG Guidelines, 2015. Collection method: clinical testing. Allele origin: germline. Inheritance: Autosomal dominant inheritance. Observed: 1 variant allele, 1 heterozygote.
Comment: This missense variant replaces alanine with aspartic acid at codon 594 of the PCSK9 protein. Computational prediction suggests that this variant may not impact protein structure and function (internally defined REVEL score threshold <= 0.5, PMID: 27666373). To our knowledge, functional studies have not been reported for this variant. This variant has been reported in multiple individuals in one kindred, including two affected with familial hypercholesterolemia and four unaffected (PMID: 33147992). It has also been reported in both heterozygosity and homozygosity in multiple individuals from an ostensibly healthy population (van Zyl 2013, dissertation, North-West University). This variant has been identified in 3/264928 chromosomes in the general population by the Genome Aggregation Database (gnomAD). The available evidence is insufficient to determine the role of this variant in disease conclusively. Therefore, this variant is classified as a Variant of Uncertain Significance.

This study involves interpretation of variants in research participants for the purpose of population health screening. Participant phenotype was not available at the time of variant classification. Additional details can be found in publication PMID: 35346344, PMCID: PMC8962531

Color Diagnostics, LLC DBA Color Health
Classification: Uncertain significance for Familial hypercholesterolemia. Last evaluated: 2023-09-15. Review status: criteria provided, single submitter. Criteria: ACMG Guidelines, 2015. Collection method: clinical testing. Allele origin: germline.
Comment: This missense variant replaces alanine with aspartic acid at codon 594 of the PCSK9 protein. Computational prediction suggests that this variant may not impact protein structure and function. To our knowledge, functional studies have not been reported for this variant. This variant has been reported in multiple individuals in one kindred, including two affected with familial hypercholesterolemia and four unaffected (PMID: 33147992). It has also been reported in both heterozygosity and homozygosity in multiple individuals from an ostensibly healthy population (van Zyl 2013, dissertation, North-West University). This variant has been identified in 3/264928 chromosomes in the general population by the Genome Aggregation Database (gnomAD). The available evidence is insufficient to determine the role of this variant in disease conclusively. Therefore, this variant is classified as a Variant of Uncertain Significance.

Literature cited by the submitters: PubMed 33147992 (cited by All of Us Research Program, National Institutes of Health and Color Diagnostics, LLC DBA Color Health).

NM_174936.4(PCSK9):c.1781C>A (p.Ala594Asp)

Gene: PCSK9 (proprotein convertase subtilisin/kexin type 9; plus strand). Cytogenetic location: 1p32.3.
Variant type: single nucleotide variant.
Coding change: c.1781C>A on transcript NM_174936.4 (MANE Select); coding-DNA position 1781, C replaced by A.
Protein change: p.Ala594Asp; replaces alanine 594 with aspartic acid.
Molecular consequence: missense variant. On other transcripts: non-coding transcript variant (8).
Genome position (GRCh38, 1-based): chr1:55,061,474, C>A. VCF-style: chr1-55061474-C-A. GRCh37 (hg19) VCF-style: chr1-55527147-C-A.
Other names: c.1904C>A, p.Ala635Asp (NM_001407240.1); c.1823C>A, p.Ala608Asp (NM_001407241.1); c.1784C>A, p.Ala595Asp (NM_001407242.1); c.1607C>A, p.Ala536Asp (NM_001407244.1); c.1589C>A, p.Ala530Asp (NM_001407245.1); c.1406C>A, p.Ala469Asp (NM_001407246.1); c.1280C>A, p.Ala427Asp (NM_001407247.1); c.1724C>A, p.Ala575Asp (NM_001407243.1); short protein forms A427D, A469D, A530D, A536D, A575D, A594D, A595D, A608D.
Identifiers: ClinVar variation 3073786 (VCV003073786.2), dbSNP rs578162610, ClinGen allele CA22767041.